The following is an entry in ClinVar:

ClinVar aggregate classification (germline): Pathogenic (1 of 4 stars; one submission).

Conditions:
Hereditary cancer-predisposing syndrome. Also called: Neoplastic Syndromes, Hereditary; Tumor predisposition; Hereditary Cancer Syndrome; Hereditary neoplastic syndrome. Identifiers: Orphanet 140162, MedGen C0027672, MeSH D009386, MONDO:0015356.

Submission:

Ambry Genetics
Classification: Pathogenic for Hereditary cancer-predisposing syndrome. Last evaluated: 2026-04-23. Review status: criteria provided, single submitter. Criteria: Ambry Variant Classification Scheme 2023. Collection method: clinical testing. Allele origin: germline.
Comment: The c.8530T>C pathogenic mutation (also known as p.*2844Qext*27), located in coding exon 15 of the APC gene, results from a T to C substitution at nucleotide position 8530. This alteration disrupts the stop codon of the APC gene and is predicted to preserve the native sequence while resulting in the elongation of the protein by 27 amino acids. This variant was reported in individual(s) with features consistent with APC-related familial adenomatous polyposis (Ambry internal data; external communication). A similar variant (c.8530T>G, p.*2844Eext*27) has been observed in individual(s) with features consistent with APC-related familial adenomatous polyposis (Ambry internal data). Based on the supporting evidence, this variant is interpreted as a disease-causing mutation.

NM_000038.6(APC):c.8530T>C (p.Ter2844Gln)

Gene: APC (APC regulator of Wnt signaling pathway; plus strand). Cytogenetic location: 5q22.2.
Variant type: single nucleotide variant.
Coding change: c.8530T>C on transcript NM_000038.6 (MANE Select); coding-DNA position 8530, T replaced by C.
Protein change: p.Ter2844Gln.
Molecular consequence: stop lost. On other transcripts: non-coding transcript variant (2).
Genome position (GRCh38, 1-based): chr5:112,844,124, T>C. VCF-style: chr5-112844124-T-C. GRCh37 (hg19) VCF-style: chr5-112179821-T-C.
Other names: c.8584T>C, p.Ter2862Gln (NM_001407449.1, NM_001407447.1, NM_001407448.1 and 1 more transcripts); c.8530T>C, p.Ter2844Gln (NM_001407450.1, NM_001127510.3, NM_001354895.2); c.8509T>C, p.Ter2837Gln (NM_001407451.1); c.8500T>C, p.Ter2834Gln (NM_001407452.1); c.8353T>C, p.Ter2785Gln (NM_001407453.1, NM_001354901.2); c.8281T>C, p.Ter2761Gln (NM_001407454.1, NM_001407455.1, NM_001407456.1 and 1 more transcripts); c.8227T>C, p.Ter2743Gln (NM_001407458.1, NM_001354903.2, NM_001407459.1 and 1 more transcripts); c.8614T>C, p.Ter2872Gln (NM_001407446.1); and 11 more.
Identifiers: ClinVar variation 3881072 (VCV003881072.2).